The following is an entry in ClinVar:

ClinVar aggregate classification (germline): Uncertain significance (1 of 4 stars; one submission).

Submission:

Labcorp Genetics (formerly Invitae), Labcorp
Classification: Uncertain significance. Last evaluated: 2022-03-09. Review status: criteria provided, single submitter. Criteria: Invitae Variant Classification Sherloc (09022015). Collection method: clinical testing. Allele origin: germline.
Comment: Variants that disrupt the consensus splice site are a relatively common cause of aberrant splicing (PMID: 17576681, 9536098). Algorithms developed to predict the effect of sequence changes on RNA splicing suggest that this variant may disrupt the consensus splice site. In summary, the available evidence is currently insufficient to determine the role of this variant in disease. Therefore, it has been classified as a Variant of Uncertain Significance. This sequence change falls in intron 4 of the PROM1 gene. It does not directly change the encoded amino acid sequence of the PROM1 protein. It affects a nucleotide within the consensus splice site. This variant is not present in population databases (gnomAD no frequency). This variant has not been reported in the literature in individuals affected with PROM1-related conditions.

Literature cited by the submitters: PubMed 17576681; PubMed 9536098.

NM_006017.3(PROM1):c.509+5G>A

Gene: PROM1 (prominin 1; minus strand). Cytogenetic location: 4p15.32.
Variant type: single nucleotide variant.
Coding change: c.509+5G>A on transcript NM_006017.3 (MANE Select); 5 bases into the intron after coding-DNA position 509, G replaced by A.
Molecular consequence: intron variant.
Genome position (GRCh38, 1-based): chr4:16,033,299, C>T on the plus strand (G>A on the coding strand, the complement: PROM1 is on the minus strand). VCF-style: chr4-16033299-C-T. GRCh37 (hg19) VCF-style: chr4-16034922-C-T.
Other names: c.482+5G>A (NM_001145848.2, NM_001145852.2, NM_001145847.2 and 4 more transcripts); c.509+5G>A (NM_001145850.2, NM_001145849.2).
Identifiers: ClinVar variation 2062283 (VCV002062283.4), dbSNP rs2530792054, ClinGen allele CA2580070891.
Genomic context (GRCh38, chr4:16,033,299, plus strand): 5'-TAAAAATGTGAGACACTCTTCATCAGCCTAAAACACAATCAGTTGTTGTCCAATATTGTA[C>T]TTGCCTTATTATTATACAAATCACCAACAGGGAGATTGCAAAGCATTTCCTCAGGAAGGG-3'